The following is an entry in ClinVar:

NM_007294.4(BRCA1):c.5103G>C (p.Leu1701=)

Gene: BRCA1 (BRCA1 DNA repair associated; minus strand). Cytogenetic location: 17q21.31.
Variant type: single nucleotide variant.
Coding change: c.5103G>C on transcript NM_007294.4 (MANE Select); coding-DNA position 5103, G replaced by C.
Protein change: p.Leu1701=; no amino-acid change (leucine 1701 retained).
Molecular consequence: synonymous variant. On other transcripts: intron variant (2).
Genome position (GRCh38, 1-based): chr17:43,063,923, C>G on the plus strand (G>C on the coding strand, the complement: BRCA1 is on the minus strand). VCF-style: chr17-43063923-C-G. GRCh37 (hg19) VCF-style: chr17-41215940-C-G.
Other names: c.5103G>C, p.Leu1701= (NM_001407605.1, NM_001407684.1, NM_001407854.1 and 7 more transcripts); c.5100G>C, p.Leu1700= (NM_001407610.1, NM_001407611.1, NM_001407612.1 and 17 more transcripts); c.5097G>C, p.Leu1699= (NM_001407627.1, NM_001407628.1, NM_001407629.1 and 14 more transcripts); c.5094G>C, p.Leu1698= (NM_001407644.1, NM_001407645.1); c.5091G>C, p.Leu1697= (NM_001407646.1); c.5088G>C, p.Leu1696= (NM_001407647.1); c.5046G>C, p.Leu1682= (NM_001407648.1); c.5043G>C, p.Leu1681= (NM_001407649.1); and 73 more.
Identifiers: ClinVar variation 867647 (VCV000867647.3), dbSNP rs1060504591, ClinGen allele CA500146204.

Conditions:
Breast-ovarian cancer, familial, susceptibility to, 1 (BROVCA1). Also called: BRCA1 Hereditary Breast and Ovarian Cancer; OVARIAN CANCER, SUSCEPTIBILITY TO. Identifiers: Orphanet 145, MedGen C2676676, MONDO:0011450, OMIM 604370. Disease mechanism: loss of function.

Submission:

Brotman Baty Institute, University of Washington
No classification provided (evidence only). Condition: Breast-ovarian cancer, familial 1. Review status: no classification provided. Collection method: in vitro. Allele origin: not applicable. Functional consequence: functionally_normal.
ClinVar note: "not provided" was previously submitted as the classification for the variant. However, the classification appeared to be based only on an observation of functional data so it was converted to no classification on 2025-07-30.